The following is an entry in ClinVar:

NM_199242.3(UNC13D):c.1727+1G>A

Gene: UNC13D (unc-13 homolog D; minus strand). Cytogenetic location: 17q25.1.
Variant type: single nucleotide variant.
Coding change: c.1727+1G>A on transcript NM_199242.3 (MANE Select); the canonical splice donor site of the intron after coding-DNA position 1727, G replaced by A.
Molecular consequence: splice donor variant.
Genome position (GRCh38, 1-based): chr17:75,835,646, C>T on the plus strand (G>A on the coding strand, the complement: UNC13D is on the minus strand). VCF-style: chr17-75835646-C-T. GRCh37 (hg19) VCF-style: chr17-73831727-C-T.
Identifiers: ClinVar variation 533098 (VCV000533098.14), dbSNP rs754882266, ClinGen allele CA8772849.

ClinVar aggregate classification (germline): Pathogenic/Likely pathogenic. Review status: criteria provided, multiple submitters, no conflicts (2 of 4 stars). 4 submissions from 4 submitters: Pathogenic (1); Likely pathogenic (3). Last evaluated 2025-09-19.

Conditions:
Familial hemophagocytic lymphohistiocytosis 3 (FHL3). Also called: UNC13D-Related Familial Hemophagocytic Lymphohistiocytosis (UNC13D-fHLH). Identifiers: Orphanet 540, MedGen C1837174, MONDO:0012146, OMIM 608898.

Allele frequency attached by ClinVar (database versions not stated): ExAC 0.00001; gnomAD exomes 0.00001.
gnomAD v4.1: 9 of 1,613,286 alleles (0.00056%); highest among the groups gnomAD compares: South Asian, 0.0088%; no homozygotes.

Submissions (4):

First Genomix Gene Laboratory, Genetic Diagnostics Department
Classification: Likely pathogenic for Familial hemophagocytic lymphohistiocytosis 3. Last evaluated: 2025-09-19. Review status: criteria provided, single submitter. Criteria: ACMG Guidelines, 2015. Collection method: clinical testing. Allele origin: germline. Inheritance: Autosomal recessive inheritance. Affected: no. Observed: 1 variant allele.

Labcorp Genetics (formerly Invitae), Labcorp
Classification: Likely pathogenic for Familial hemophagocytic lymphohistiocytosis 3. Last evaluated: 2024-06-03. Review status: criteria provided, single submitter. Criteria: Invitae Variant Classification Sherloc (09022015). Collection method: clinical testing. Allele origin: germline.
Comment: This sequence change affects a donor splice site in intron 19 of the UNC13D gene. It is expected to disrupt RNA splicing. Variants that disrupt the donor or acceptor splice site typically lead to a loss of protein function (PMID: 16199547), and loss-of-function variants in UNC13D are known to be pathogenic (PMID: 14622600). This variant is present in population databases (rs754882266, gnomAD 0.006%). This variant has not been reported in the literature in individuals affected with UNC13D-related conditions. ClinVar contains an entry for this variant (Variation ID: 533098). Algorithms developed to predict the effect of sequence changes on RNA splicing suggest that this variant may disrupt the consensus splice site. In summary, the currently available evidence indicates that the variant is pathogenic, but additional data are needed to prove that conclusively. Therefore, this variant has been classified as Likely Pathogenic.

Revvity Omics, Revvity
Classification: Pathogenic for Familial hemophagocytic lymphohistiocytosis 3. Last evaluated: 2020-03-25. Review status: criteria provided, single submitter. Criteria: ACMG Guidelines, 2015. Collection method: clinical testing. Allele origin: germline.

Neuberg Centre For Genomic Medicine, NCGM
Classification: Likely pathogenic for Familial hemophagocytic lymphohistiocytosis 3. Review status: criteria provided, single submitter. Criteria: ACMG Guidelines, 2015. Collection method: clinical testing. Allele origin: germline. Inheritance: Autosomal recessive inheritance. Affected: yes.
Comment: The splice site c.1727+1G>A variant has not been reported previously as a pathogenic variant nor as a benign variant, to our knowledge. The c.1727+1G>A variant is novel (not in any individuals) in 1000 Genomes and has an allele frequency of 0.0008% in gnomAD database. This variant has been reported to the ClinVar database as Likely Pathogenic. Loss of function variants have been previously reported to be disease causing. For these reasons, this variant has been classified as Likely Pathogenic.

Literature cited by the submitters: PubMed 16199547 (cited by Labcorp Genetics (formerly Invitae), Labcorp); PubMed 14622600 (cited by Labcorp Genetics (formerly Invitae), Labcorp).